The following is an entry in ClinVar:

ClinVar aggregate classification (germline): Pathogenic (1 of 4 stars; one submission).

Conditions:
Osteogenesis imperfecta type I (OI1). Also called: Lobstein disease; Osteogenesis imperfecta type 1; OI, TYPE I; OSTEOGENESIS IMPERFECTA TARDA; OSTEOGENESIS IMPERFECTA WITH BLUE SCLERAE; Lobstein's Disease. Identifiers: Orphanet 216796, Orphanet 666, MedGen C0023931, MONDO:0008146, OMIM 166200. Disease mechanism: loss of function.

Submission:

Labcorp Genetics (formerly Invitae), Labcorp
Classification: Pathogenic for Osteogenesis imperfecta type I. Last evaluated: 2018-05-18. Review status: criteria provided, single submitter. Criteria: Invitae Variant Classification Sherloc (09022015). Collection method: clinical testing. Allele origin: germline.
Comment: This sequence change creates a premature translational stop signal (p.Gly809Argfs*300) in the COL1A1 gene. It is expected to result in an absent or disrupted protein product. This variant is not present in population databases (ExAC no frequency). This variant has not been reported in the literature in individuals with COL1A1-related disease. Loss-of-function variants in COL1A1 are known to be pathogenic (PMID: 7942841, 9295084, 9443882). For these reasons, this variant has been classified as Pathogenic.

NM_000088.4(COL1A1):c.2424_2425insCG (p.Gly809fs)

Gene: COL1A1 (collagen type I alpha 1 chain; minus strand). Cytogenetic location: 17q21.33.
Variant type: Insertion.
Coding change: c.2424_2425insCG on transcript NM_000088.4 (MANE Select); coding-DNA positions 2424 to 2425, CG inserted.
Protein change: p.Gly809fs; shifts the reading frame from glycine 809.
Molecular consequence: frameshift variant.
Genome position: GRCh38 VCF-style: chr17-50190353-C-CCG. GRCh37 (hg19) VCF-style: chr17-48267714-C-CCG.
Other names: short protein forms G809fs.
Identifiers: ClinVar variation 577741 (VCV000577741.1), dbSNP rs1567756357, ClinGen allele CA891843712.